The following is an entry in ClinVar:

NM_001042492.3(NF1):c.980T>C (p.Leu327Pro)

Gene: NF1 (neurofibromin 1; plus strand). Cytogenetic location: 17q11.2.
Variant type: single nucleotide variant.
Coding change: c.980T>C on transcript NM_001042492.3 (MANE Select); coding-DNA position 980, T replaced by C.
Protein change: p.Leu327Pro; replaces leucine 327 with proline.
Molecular consequence: missense variant.
Genome position (GRCh38, 1-based): chr17:31,200,513, T>C. VCF-style: chr17-31200513-T-C. GRCh37 (hg19) VCF-style: chr17-29527531-T-C.
Other names: c.980T>C, p.Leu327Pro (NM_000267.4, NM_001128147.3); short protein forms L327P.
Identifiers: ClinVar variation 547576 (VCV000547576.20), dbSNP rs201624827, ClinGen allele CA289348685.

ClinVar aggregate classification (germline): Conflicting classifications of pathogenicity. Review status: criteria provided, conflicting classifications (1 of 4 stars). 8 submissions from 8 submitters: Pathogenic (5); Likely pathogenic (2); Uncertain significance (1). Last evaluated 2026-07-01.

Conditions:
Neurofibromatosis, type 1 (NF1). Also called: NEUROFIBROMATOSIS, TYPE I, SOMATIC; VON RECKLINGHAUSEN DISEASE; Neurofibromatosis, type I; Peripheral type neurofibromatosis. Identifiers: Orphanet 636, MedGen C0027831, MONDO:0018975, OMIM 162200. Disease mechanism: loss of function.
NF1-related disorder. Also called: NF1-related condition. Identifiers: MedGen CN379171.
Hereditary cancer-predisposing syndrome. Also called: Hereditary Cancer Syndrome; Neoplastic Syndromes, Hereditary; Hereditary neoplastic syndrome; Tumor predisposition. Identifiers: Orphanet 140162, MedGen C0027672, MeSH D009386, MONDO:0015356.
Cardiovascular phenotype. Identifiers: MedGen CN230736.

Submissions (8):

CeGaT Center for Human Genetics Tuebingen
Classification: Likely pathogenic. Last evaluated: 2026-07-01. Review status: criteria provided, single submitter. Criteria: CeGaT Center For Human Genetics Tuebingen Variant Classification Criteria Version 2. Collection method: clinical testing. Allele origin: germline. Affected: yes. Observed: 1 variant allele.
Comment: NF1: PM2, PS2:Moderate, PS4:Moderate, PP3

NHS Central & South Genomic Laboratory Hub
Classification: Pathogenic for Neurofibromatosis type 1. Last evaluated: 2026-02-26. Review status: criteria provided, single submitter. Criteria: ACMG Guidelines, 2015. Collection method: clinical testing. Allele origin: germline. Affected: yes.

Labcorp Genetics (formerly Invitae), Labcorp
Classification: Pathogenic for Neurofibromatosis, type 1. Last evaluated: 2026-01-24. Review status: criteria provided, single submitter. Criteria: Invitae Variant Classification Sherloc (09022015). Collection method: clinical testing. Allele origin: germline.
Comment: This sequence change replaces leucine, which is neutral and non-polar, with proline, which is neutral and non-polar, at codon 327 of the NF1 protein (p.Leu327Pro). This variant is not present in population databases (gnomAD no frequency). This missense change has been observed in individual(s) with neurofibromatosis type 1 and/or NF1-Noonan syndrome (PMID: 18183640, 29685074, 36304179). In at least one individual the variant was observed to be de novo. Invitae Evidence Modeling of clinical and family history, age, sex, and reported ancestry of multiple individuals with this NF1 variant has been performed. This variant is expected to be pathogenic with a positive predictive value of at least 99%. This is a validated machine learning model that incorporates the clinical features of 1,785,918 individuals referred to our laboratory for NF1 testing. ClinVar contains an entry for this variant (Variation ID: 547576). Invitae Evidence Modeling of protein sequence and biophysical properties (such as structural, functional, and spatial information, amino acid conservation, physicochemical variation, residue mobility, and thermodynamic stability) indicates that this missense variant is expected to disrupt NF1 protein function with a positive predictive value of 95%. For these reasons, this variant has been classified as Pathogenic.

St. Jude Molecular Pathology, St. Jude Children's Research Hospital
Classification: Pathogenic for Neurofibromatosis, type 1. Last evaluated: 2025-06-17. Review status: criteria provided, single submitter. Criteria: St. Jude Assertion Criteria 2020. Collection method: clinical testing. Allele origin: germline.
Comment: The NF1 c.980T>C p.(Leu327Pro) missense change is absent in gnomAD v2.1.1. The in silico tool REVEL predicts a deleterious effect on protein function, but to our knowledge this prediction has not been confirmed by functional studies. This variant has been reported in individuals with Neurofibromatosis type 1 of which at least one case was reported to be de novo (PMID: 18183640, 31766501, 36304179, internal data). In summary, this variant meets criteria to be classified as pathogenic.

Blueprint Genetics
Classification: Pathogenic for NF1-related disorders. Last evaluated: 2022-08-23. Review status: criteria provided, single submitter. Criteria: ACMG Guidelines, 2015. Collection method: clinical testing. Allele origin: germline. Affected: yes. Observed: 1 variant allele.

Ambry Genetics
Classification: Likely pathogenic for Cardiovascular phenotype; Hereditary cancer-predisposing syndrome. Last evaluated: 2022-03-29. Review status: criteria provided, single submitter. Criteria: Ambry Variant Classification Scheme 2023. Collection method: clinical testing. Allele origin: germline.
Comment: The p.L327P variant (also known as c.980T>C), located in coding exon 9 of the NF1 gene, results from a T to C substitution at nucleotide position 980. The leucine at codon 327 is replaced by proline, an amino acid with similar properties. This variant has been reported in an individual with neurofibromatosis type 1 (Syrbe S et al. Klin Padiatr. 2007; 219:326-32). This variant is considered to be rare based on population cohorts in the Genome Aggregation Database (gnomAD). This amino acid position is highly conserved in available vertebrate species. In addition, this alteration is predicted to be deleterious by in silico analysis. Based on the majority of available evidence to date, this variant is likely to be pathogenic.

ARUP Laboratories, Molecular Genetics and Genomics, ARUP Laboratories
Classification: Uncertain significance. Last evaluated: 2017-12-03. Review status: criteria provided, single submitter. Criteria: ARUP Molecular Germline Variant Investigation Process. Collection method: clinical testing. Allele origin: germline.
Comment: The NF1 c.980T>C; p.Leu327Pro variant is published in the medical literature in one individual with a clinical diagnosis of NF1 (Syrbe 2007). Additionally, other variants in the same codon, p.Leu327Gln and p.Leu327Arg, are described in a gene-specific database (see link below). The p.Leu327Pro variant is not described in the ClinVar database, or in the general population-based databases, but is listed in the dbSNP variant database (rs201624827). The leucine at this position is well conserved across species and computational algorithms (PolyPhen2, SIFT) predict this variant is deleterious. Considering available information, there is insufficient evidence to classify this variant with certainty. References: Link to NF1 database: Syrbe S et al. Neurofibromatosis type 1 and associated clinical abnormalities in 27 children. Klin Padiatr. 2007 Nov-Dec;219(6):326-32.

Center for Human Genetics, Inc
Classification: Pathogenic for Neurofibromatosis, type 1. Last evaluated: 2016-11-01. Review status: criteria provided, single submitter. Criteria: ACMG Guidelines, 2015. Collection method: clinical testing. Allele origin: germline. Affected: yes.

Literature cited by the submitters: PubMed 18183640 (cited by Labcorp Genetics (formerly Invitae), Labcorp); PubMed 29685074 (cited by Labcorp Genetics (formerly Invitae), Labcorp); PubMed 36304179 (cited by Labcorp Genetics (formerly Invitae), Labcorp).